The following is an entry in ClinVar:

ClinVar aggregate classification (germline): Conflicting classifications of pathogenicity. Review status: criteria provided, conflicting classifications (1 of 4 stars). 6 submissions from 6 submitters: Likely pathogenic (2); Uncertain significance (3). 1 of the submissions does not count toward it. Last evaluated 2025-07-21.

Conditions:
BCKDHB-related disorder. Also called: BCKDHB-related condition.
Inborn genetic diseases. Identifiers: MedGen C0950123, MeSH D030342.
Maple syrup urine disease (MSUD). Identifiers: Orphanet 511, MedGen C0024776, MeSH D008375, MONDO:0009563. Disease mechanism: loss of function.
Maple syrup urine disease type 1B (MSUD1B). Also called: MSUD type IB; MSUD type 3 (formerly); MSUD due to deficiency of e1-beta subunit of branched-chain alpha-keto acid dehydrogenase complex. Identifiers: MedGen C2930990, MONDO:0023692, OMIM 620698.

gnomAD v4.1: 7 of 1,613,930 alleles (0.00043%); highest among the groups gnomAD compares: Admixed American, 0.012%; no homozygotes.

Submissions (6):

Labcorp Genetics (formerly Invitae), Labcorp
Classification: Uncertain significance for Maple syrup urine disease. Last evaluated: 2025-07-21. Review status: criteria provided, single submitter. Criteria: Invitae Variant Classification Sherloc (09022015). Collection method: clinical testing. Allele origin: germline.
Comment: This sequence change replaces arginine, which is basic and polar, with proline, which is neutral and non-polar, at codon 170 of the BCKDHB protein (p.Arg170Pro). This variant is present in population databases (rs371518124, gnomAD 0.01%). This variant has not been reported in the literature in individuals affected with BCKDHB-related conditions. ClinVar contains an entry for this variant (Variation ID: 96592). An algorithm developed to predict the effect of missense changes on protein structure and function (PolyPhen-2) suggests that this variant is likely to be disruptive. This variant disrupts the p.Arg170 amino acid residue in BCKDHB. Other variant(s) that disrupt this residue have been determined to be pathogenic (PMID: 22326532; internal data). This suggests that this residue is clinically significant, and that variants that disrupt this residue are likely to be disease-causing. In summary, the available evidence is currently insufficient to determine the role of this variant in disease. Therefore, it has been classified as a Variant of Uncertain Significance.

3billion
Classification: Likely pathogenic for Maple syrup urine disease type 1B. Last evaluated: 2024-08-07. Review status: criteria provided, single submitter. Criteria: ACMG Guidelines, 2015. Collection method: clinical testing. Allele origin: germline. Affected: yes.
Comment: The variant is observed at an extremely low frequency in the gnomAD v4.0.0 dataset (total allele frequency: <0.001%). Predicted Consequence/Location: Missense variant In silico tool predictions suggest damaging effect of the variant on gene or gene product [REVEL: 0.87 (>=0.6, sensitivity 0.68 and specificity 0.92); 3Cnet: 0.93 (>=0.6, sensitivity 0.72 and precision 0.9)]. The same nucleotide change resulting in the same amino acid change has been previously reported to be associated with BCKDHB-related disorder (ClinVar ID: VCV000096592).Different missense changes at the same codon (p.Arg170Cys, p.Arg170Gly, p.Arg170His, p.Arg170Ser) have been reported as pathogenic/likely pathogenic with strong evidence (ClinVar ID: VCV000096588, VCV000096589, VCV000096590, VCV000096591 /PMID: 22326532, 31980395). Therefore, this variant is classified as Likely pathogenic according to the recommendation of ACMG/AMP guideline.

Ambry Genetics
Classification: Likely pathogenic for Inborn genetic diseases. Last evaluated: 2022-01-13. Review status: criteria provided, single submitter. Criteria: Ambry Variant Classification Scheme 2023. Collection method: clinical testing. Allele origin: germline.
Comment: The c.509G>C (p.R170P) alteration is located in exon 5 (coding exon 5) of the BCKDHB gene. This alteration results from a G to C substitution at nucleotide position 509, causing the arginine (R) at amino acid position 170 to be replaced by a proline (P). Based on data from gnomAD, the C allele has an overall frequency of <0.01% (5/251426) total alleles studied. The highest observed frequency was 0.01% (5/34592) of Latino alleles. This variant was identified as homozygous in an individual affected with Maple syrup urine disease (Clinvar database). In addition, multiple different variants at this position have been described in patients with Maple syrup urine disease including p.R170H, p.R170C, and p.R170G (Li, 2018; Abiri, 2019; Strauss, 2020; O'Reilly, 2021). Based on internal structural analysis, the p.R170P variant was determined to be more destabilizing than these previously reported variants (Ambry internal data). This amino acid position is highly conserved in available vertebrate species. This alteration is predicted to be deleterious by in silico analysis. Based on the available evidence, this alteration is classified as likely pathogenic.

Genome-Nilou Lab
Classification: Uncertain significance for Maple syrup urine disease type 1A. Last evaluated: 2021-11-07. Review status: criteria provided, single submitter. Criteria: ACMG Guidelines, 2015. Collection method: clinical testing. Allele origin: germline. Affected: no.

Eurofins Ntd Llc (ga)
Classification: Uncertain significance. Last evaluated: 2012-10-31. Review status: criteria provided, single submitter. Criteria: EGL Classification Definitions 2015. Collection method: clinical testing. Allele origin: germline. Observed: 2 variant alleles, 2 heterozygotes.

PreventionGenetics, part of Exact Sciences
Classification: Likely pathogenic for BCKDHB-related condition. Last evaluated: 2024-05-03. Review status: no assertion criteria provided. Collection method: clinical testing. Allele origin: germline. Not counted in ClinVar's aggregate classification.
Comment: The BCKDHB c.509G>C variant is predicted to result in the amino acid substitution p.Arg170Pro. To our knowledge, this variant has not been reported in the literature. However, alternate nucleotide substitutions affecting the same amino acid (p.Arg170Cys, p.Arg170His, and p.Arg170Gly) have been reported in the homozygous and compound heterozygous states in multiple individuals with maple syrup urine disease (see for example, Miryounesi et al. 2015. PubMed ID: 25381949; Table 3, OReilly et al. 2020. PubMed ID: 33300147; Table S1, Strauss et al. 2020. PubMed ID: 31980395). The p.Arg170 amino acid has been highly evolutionarily conserved (Alamut Visual v2.11). In silico analysis suggested that the p.Arg170 residue is in close proximity to the K+ binding site in the branched-chain alpha-ketoacid dehydrogenase (BCKD) enzyme complex, and that substitutions of this amino acid may cause unstable dimer assembly and an unstable K+ ion binding loop (Miryounesi et al. 2015. PubMed ID: 25381949). This variant is reported in 0.014% of alleles in individuals of Latino descent in gnomAD. This variant is interpreted as likely pathogenic.

Literature cited by the submitters: PubMed 22326532 (cited by Labcorp Genetics (formerly Invitae), Labcorp and 3billion); PubMed 29307017 (cited by Ambry Genetics); PubMed 31119508 (cited by Ambry Genetics); PubMed 31980395 (cited by Ambry Genetics); PubMed 33300147 (cited by Ambry Genetics).

NM_183050.4(BCKDHB):c.509G>C (p.Arg170Pro)

Gene: BCKDHB (branched chain keto acid dehydrogenase E1 subunit beta; plus strand). Cytogenetic location: 6q14.1.
Variant type: single nucleotide variant.
Coding change: c.509G>C on transcript NM_183050.4 (MANE Select); coding-DNA position 509, G replaced by C.
Protein change: p.Arg170Pro; replaces arginine 170 with proline.
Molecular consequence: missense variant. On other transcripts: non-coding transcript variant (1).
Genome position (GRCh38, 1-based): chr6:80,168,906, G>C. VCF-style: chr6-80168906-G-C. GRCh37 (hg19) VCF-style: chr6-80878623-G-C.
Other names: c.509G>C (NM_183050.3); c.509G>C, p.Arg170Pro (NM_000056.5); c.299G>C, p.Arg100Pro (NM_001318975.1); short protein forms R170P, R100P.
Identifiers: ClinVar variation 96592 (VCV000096592.13), dbSNP rs371518124, ClinGen allele CA224306.